The following is an entry in ClinVar:

ClinVar aggregate classification (germline): Uncertain significance. Review status: criteria provided, multiple submitters, no conflicts (2 of 4 stars). 2 submissions from 2 submitters: Uncertain significance (2). Last evaluated 2023-12-17.

Conditions:
Inborn genetic diseases. Identifiers: MedGen C0950123, MeSH D030342.

Allele frequency attached by ClinVar (database versions not stated): gnomAD exomes below 0.00001.
gnomAD v4.1: 3 of 1,613,774 alleles (0.00019%); highest among the groups gnomAD compares: East Asian, 0.0022%; no homozygotes.

Submissions (2):

Ambry Genetics
Classification: Uncertain significance for Inborn genetic diseases. Last evaluated: 2023-12-17. Review status: criteria provided, single submitter. Criteria: Ambry Variant Classification Scheme 2023. Collection method: clinical testing. Allele origin: germline.

Labcorp Genetics (formerly Invitae), Labcorp
Classification: Uncertain significance. Last evaluated: 2022-11-22. Review status: criteria provided, single submitter. Criteria: Invitae Variant Classification Sherloc (09022015). Collection method: clinical testing. Allele origin: germline.
Comment: This variant is not present in population databases (gnomAD no frequency). This sequence change replaces leucine, which is neutral and non-polar, with phenylalanine, which is neutral and non-polar, at codon 1995 of the PCLO protein (p.Leu1995Phe). In summary, the available evidence is currently insufficient to determine the role of this variant in disease. Therefore, it has been classified as a Variant of Uncertain Significance. Algorithms developed to predict the effect of missense changes on protein structure and function are either unavailable or do not agree on the potential impact of this missense change (SIFT: "Tolerated"; PolyPhen-2: "Not Available"; Align-GVGD: "Class C0"). This variant has not been reported in the literature in individuals affected with PCLO-related conditions.

NM_033026.6(PCLO):c.5983C>T (p.Leu1995Phe)

Gene: PCLO (piccolo presynaptic cytomatrix protein; minus strand). Cytogenetic location: 7q21.11.
Variant type: single nucleotide variant.
Coding change: c.5983C>T on transcript NM_033026.6 (MANE Select); coding-DNA position 5983, C replaced by T.
Protein change: p.Leu1995Phe; replaces leucine 1995 with phenylalanine.
Molecular consequence: missense variant.
Genome position (GRCh38, 1-based): chr7:82,954,970, G>A on the plus strand (C>T on the coding strand, the complement: PCLO is on the minus strand). VCF-style: chr7-82954970-G-A. GRCh37 (hg19) VCF-style: chr7-82584286-G-A.
Other names: c.5983C>T, p.Leu1995Phe (NM_014510.3); c.5983C>T (NM_033026.5); short protein forms L1995F.
Identifiers: ClinVar variation 1716953 (VCV001716953.6), dbSNP rs1795472587, ClinGen allele CA367921121.